The following is an entry in ClinVar:

NM_006015.6(ARID1A):c.1694C>A (p.Pro565His)

Gene: ARID1A (AT-rich interaction domain 1A; plus strand). Cytogenetic location: 1p36.11.
Variant type: single nucleotide variant.
Coding change: c.1694C>A on transcript NM_006015.6 (MANE Select); coding-DNA position 1694, C replaced by A.
Protein change: p.Pro565His; replaces proline 565 with histidine.
Molecular consequence: missense variant.
Genome position (GRCh38, 1-based): chr1:26,731,495, C>A. VCF-style: chr1-26731495-C-A. GRCh37 (hg19) VCF-style: chr1-27057986-C-A.
Other names: c.1694C>A, p.Pro565His (NM_139135.4); short protein forms P565H.
Identifiers: ClinVar variation 2764088 (VCV002764088.3), dbSNP rs1290470259, ClinGen allele CA339268638.

ClinVar aggregate classification (germline): Uncertain significance (1 of 4 stars; one submission).

Submission:

Labcorp Genetics (formerly Invitae), Labcorp
Classification: Uncertain significance. Last evaluated: 2023-09-28. Review status: criteria provided, single submitter. Criteria: Invitae Variant Classification Sherloc (09022015). Collection method: clinical testing. Allele origin: germline.
Comment: This sequence change replaces proline, which is neutral and non-polar, with histidine, which is basic and polar, at codon 565 of the ARID1A protein (p.Pro565His). This variant is not present in population databases (gnomAD no frequency). This variant has not been reported in the literature in individuals affected with ARID1A-related conditions. Advanced modeling of protein sequence and biophysical properties (such as structural, functional, and spatial information, amino acid conservation, physicochemical variation, residue mobility, and thermodynamic stability) performed at Invitae indicates that this missense variant is not expected to disrupt ARID1A protein function. In summary, the available evidence is currently insufficient to determine the role of this variant in disease. Therefore, it has been classified as a Variant of Uncertain Significance.